The following is an entry in ClinVar:

NM_001364905.1(LRBA):c.5345C>G (p.Thr1782Arg)

Gene: LRBA (LPS responsive beige-like anchor protein; minus strand). Cytogenetic location: 4q31.3.
Variant type: single nucleotide variant.
Coding change: c.5345C>G on transcript NM_001364905.1 (MANE Select); coding-DNA position 5345, C replaced by G.
Protein change: p.Thr1782Arg; replaces threonine 1782 with arginine.
Molecular consequence: missense variant.
Genome position (GRCh38, 1-based): chr4:150,808,359, G>C on the plus strand (C>G on the coding strand, the complement: LRBA is on the minus strand). VCF-style: chr4-150808359-G-C. GRCh37 (hg19) VCF-style: chr4-151729511-G-C.
Other names: c.5345C>G, p.Thr1782Arg (NM_001199282.3, NM_001367550.1, NM_006726.5); short protein forms T1782R.
Identifiers: ClinVar variation 860919 (VCV000860919.7), dbSNP rs145849065, ClinGen allele CA3102515.
Genomic context (GRCh38, chr4:150,808,359, plus strand): 5'-TCAAGTTAGTAGCTTAAATACCTCATATTTGAAACCGGATCTTGTGAAACTGAATCAACT[G>C]TTGGAACTGAGGGCAATTTTGCATTAGATGATCTACTGCCTATAAAAGAAAAATAACCAT-3'
Protein context (NP_001351834.1, residues 1772-1792): SSNAKLPSVP[Thr1782Arg]VDSVSQDPVS

ClinVar aggregate classification (germline): Uncertain significance (1 of 4 stars; one submission).

Conditions:
Combined immunodeficiency due to LRBA deficiency. Also called: Common variable immunodeficiency 8, with autoimmunity. Identifiers: Orphanet 445018, MedGen C3553512, MONDO:0013863, OMIM 614700.

Allele frequency attached by ClinVar (database versions not stated): ExAC 0.00001; gnomAD 0.00001; TOPMed 0.00002; ESP Exome Variant Server 0.00015.
gnomAD v4.1: 25 of 1,612,448 alleles (0.0016%); highest among the groups gnomAD compares: Non-Finnish European, 0.002%; no homozygotes.

Submission:

Labcorp Genetics (formerly Invitae), Labcorp
Classification: Uncertain significance for Combined immunodeficiency due to LRBA deficiency. Last evaluated: 2021-07-22. Review status: criteria provided, single submitter. Criteria: Invitae Variant Classification Sherloc (09022015). Collection method: clinical testing. Allele origin: germline.
Comment: In summary, the available evidence is currently insufficient to determine the role of this variant in disease. Therefore, it has been classified as a Variant of Uncertain Significance. Algorithms developed to predict the effect of missense changes on protein structure and function (SIFT, PolyPhen-2, Align-GVGD) all suggest that this variant is likely to be tolerated, but these predictions have not been confirmed by published functional studies and their clinical significance is uncertain. This variant is present in population databases (rs145849065, ExAC 0.002%). This sequence change replaces threonine with arginine at codon 1782 of the LRBA protein (p.Thr1782Arg). The threonine residue is weakly conserved and there is a moderate physicochemical difference between threonine and arginine.